The following is an entry in ClinVar:

ClinVar aggregate classification (germline): Uncertain significance. Review status: criteria provided, multiple submitters, no conflicts (2 of 4 stars). 2 submissions from 2 submitters: Uncertain significance (2). Last evaluated 2025-05-16.

Conditions:
Familial thoracic aortic aneurysm and aortic dissection (TAAD). Also called: Thoracic aortic aneurysms and dissections. Identifiers: Orphanet 91387, MedGen C4707243, MONDO:0019625.
Heterotopia, periventricular, X-linked dominant (PVNH1). Also called: PERIVENTRICULAR NODULAR HETEROTOPIA 1; X-linked periventricular heterotopia; PERIVENTRICULAR NODULAR HETEROTOPIA 4; HETEROTOPIA, PERIVENTRICULAR, 1. Identifiers: Orphanet 2149, Orphanet 82004, MedGen C1848213, MONDO:0010233, OMIM 300049.
Melnick-Needles syndrome (MNS). Also called: MELNICK-NEEDLES OSTEODYSPLASTY; OSTEODYSPLASTY OF MELNICK AND NEEDLES; Melnick-Needles Syndrome (FLNA-MNS). Identifiers: Orphanet 2484, MedGen C0025237, MONDO:0010650, OMIM 309350.
Frontometaphyseal dysplasia (FMD1). Identifiers: Orphanet 1826, MedGen C0265293, MONDO:0015942.
Oto-palato-digital syndrome, type II (OPD2). Also called: OPD II SYNDROME; FACIOPALATOOSSEOUS SYNDROME; Otopalatodigital Syndrome Type 2 (FLNA-OPD2); Otopalatodigital Syndrome, Type II. Identifiers: Orphanet 669, Orphanet 90652, MedGen C1844696, MONDO:0010571, OMIM 304120.

Allele frequency attached by ClinVar (database versions not stated): gnomAD exomes 0.00001.
gnomAD v4.1: 1 of 1,211,092 alleles (0.000083%); no homozygotes.

Submissions (2):

Ambry Genetics
Classification: Uncertain significance for Familial thoracic aortic aneurysm and aortic dissection. Last evaluated: 2025-05-16. Review status: criteria provided, single submitter. Criteria: Ambry Variant Classification Scheme 2023. Collection method: clinical testing. Allele origin: germline.
Comment: The p.S805G variant (also known as c.2413A>G), located in coding exon 16 of the FLNA gene, results from an A to G substitution at nucleotide position 2413. The serine at codon 805 is replaced by glycine, an amino acid with similar properties. Based on data from gnomAD, the G allele has an overall frequency of 0.0006% (1/179935) total alleles studied, with no hemizygote(s) observed. The highest observed frequency was 0.0225% (1/4444) of 'Other' alleles. This amino acid position is highly conserved in available vertebrate species. In addition, the in silico prediction for this alteration is inconclusive. Based on the available evidence, the clinical significance of this variant remains unclear.

Labcorp Genetics (formerly Invitae), Labcorp
Classification: Uncertain significance for Oto-palato-digital syndrome, type II; Heterotopia, periventricular, X-linked dominant; Frontometaphyseal dysplasia; Melnick-Needles syndrome. Last evaluated: 2020-05-26. Review status: criteria provided, single submitter. Criteria: Invitae Variant Classification Sherloc (09022015). Collection method: clinical testing. Allele origin: germline.
Comment: In summary, the available evidence is currently insufficient to determine the role of this variant in disease. Therefore, it has been classified as a Variant of Uncertain Significance. Algorithms developed to predict the effect of missense changes on protein structure and function are either unavailable or do not agree on the potential impact of this missense change (SIFT: "Deleterious"; PolyPhen-2: "Benign"; Align-GVGD: "Class C55"). This variant has not been reported in the literature in individuals with FLNA-related conditions. This variant is not present in population databases (ExAC no frequency). This sequence change replaces serine with glycine at codon 805 of the FLNA protein (p.Ser805Gly). The serine residue is highly conserved and there is a small physicochemical difference between serine and glycine.

NM_001110556.2(FLNA):c.2413A>G (p.Ser805Gly)

Gene: FLNA (filamin A; minus strand). Cytogenetic location: Xq28.
Variant type: single nucleotide variant.
Coding change: c.2413A>G on transcript NM_001110556.2 (MANE Select); coding-DNA position 2413, A replaced by G.
Protein change: p.Ser805Gly; replaces serine 805 with glycine.
Molecular consequence: missense variant.
Genome position (GRCh38, 1-based): chrX:154,362,570, T>C on the plus strand (A>G on the coding strand, the complement: FLNA is on the minus strand). VCF-style: chrX-154362570-T-C. GRCh37 (hg19) VCF-style: chrX-153590938-T-C.
Other names: c.2413A>G, p.Ser805Gly (NM_001456.4); c.2413A>G (NM_001456.3); short protein forms S805G.
Identifiers: ClinVar variation 1043364 (VCV001043364.10), dbSNP rs1557178305, ClinGen allele CA415237000.